The following is an entry in ClinVar:

ClinVar aggregate classification (germline): Conflicting classifications of pathogenicity. Review status: criteria provided, conflicting classifications (1 of 4 stars). 2 submissions from 2 submitters: Uncertain significance (1); Likely benign (1). Last evaluated 2024-11-25.

Conditions:
Angelman syndrome (AS). Also called: HAPPY PUPPET SYNDROME. Identifiers: Orphanet 72, MedGen C0162635, MONDO:0007113, OMIM 105830. Disease mechanism: loss of function. Inheritance: AS is caused by disruption of maternally imprinted UBE3A located within the 15q11.2-q13 Angelman syndrome/Prader-Willi syndrome (AS/PWS) region., imprinting disorder.

Allele frequency attached by ClinVar (database versions not stated): gnomAD exomes below 0.00001; ExAC 0.00001; gnomAD 0.00001; TOPMed 0.00001; ESP Exome Variant Server 0.00008.

Submissions (2):

Labcorp Genetics (formerly Invitae), Labcorp
Classification: Uncertain significance for Angelman syndrome. Last evaluated: 2024-11-25. Review status: criteria provided, single submitter. Criteria: Invitae Variant Classification Sherloc (09022015). Collection method: clinical testing. Allele origin: germline.
Comment: This sequence change replaces methionine, which is neutral and non-polar, with valine, which is neutral and non-polar, at codon 90 of the UBE3A protein (p.Met90Val). This variant is not present in population databases (gnomAD no frequency). This missense change has been observed in individual(s) with clinical features of UBE3A-related conditions (internal data). ClinVar contains an entry for this variant (Variation ID: 160222). Invitae Evidence Modeling of protein sequence and biophysical properties (such as structural, functional, and spatial information, amino acid conservation, physicochemical variation, residue mobility, and thermodynamic stability) indicates that this missense variant is not expected to disrupt UBE3A protein function with a negative predictive value of 95%. In summary, the available evidence is currently insufficient to determine the role of this variant in disease. Therefore, it has been classified as a Variant of Uncertain Significance.

Genetic Services Laboratory, University of Chicago
Classification: Likely benign. Last evaluated: 2013-02-08. Review status: criteria provided, single submitter. Criteria: ACMG Guidelines, 2007. Collection method: clinical testing. Allele origin: germline. Inheritance: Autosomal dominant inheritance.

NM_130839.5(UBE3A):c.328A>G (p.Met110Val)

Genes: SNHG14 (small nucleolar RNA host gene 14; plus strand), UBE3A (ubiquitin protein ligase E3A; minus strand). Cytogenetic location: 15q11.2.
Variant type: single nucleotide variant.
Coding change: c.328A>G on transcript NM_130839.5 (MANE Select); coding-DNA position 328, A replaced by G.
Protein change: p.Met110Val; replaces methionine 110 with valine.
Molecular consequence: missense variant. On other transcripts: non-coding transcript variant (1).
Genome position (GRCh38, 1-based): chr15:25,375,498, T>C on the plus strand (A>G on the coding strand, the complement: UBE3A is on the minus strand). VCF-style: chr15-25375498-T-C. GRCh37 (hg19) VCF-style: chr15-25620645-T-C.
Other names: c.337A>G, p.Met113Val (NM_000462.5); c.328A>G, p.Met110Val (NM_001354505.1, NM_001354538.2, NM_001354545.2 and 1 more transcripts); c.268A>G, p.Met90Val (NM_001354506.2, NM_001354507.2, NM_001354508.2 and 18 more transcripts); c.151A>G, p.Met51Val (NM_001354546.2); short protein forms M90V, M51V, M110V, M113V.
Identifiers: ClinVar variation 160222 (VCV000160222.11), dbSNP rs369853017, ClinGen allele CA173818.